The following is an entry in ClinVar:

NM_014000.3(VCL):c.3067G>A (p.Ala1023Thr)

Gene: VCL (vinculin; plus strand). Cytogenetic location: 10q22.2.
Variant type: single nucleotide variant.
Coding change: c.3067G>A on transcript NM_014000.3 (MANE Select); coding-DNA position 3067, G replaced by A.
Protein change: p.Ala1023Thr; replaces alanine 1023 with threonine.
Molecular consequence: missense variant.
Genome position (GRCh38, 1-based): chr10:74,114,301, G>A. VCF-style: chr10-74114301-G-A. GRCh37 (hg19) VCF-style: chr10-75874059-G-A.
Other names: c.2863G>A, p.Ala955Thr (NM_003373.4); short protein forms A1023T, A955T.
Identifiers: ClinVar variation 1943529 (VCV001943529.5), dbSNP rs758417927, ClinGen allele CA5563370.
Genomic context (GRCh38, chr10:74,114,301, plus strand): 5'-CGGCTGGTAAGAGGGGGCAGTGGTACCAAGCGGGCACTCATTCAGTGTGCCAAGGACATC[G>A]CCAAGGCCTCAGATGAGGTGACTCGGTTGGCCAAGGAGGTTGCCAAGCAGTGCACAGATA-3'
Protein context (NP_054706.1, residues 1013-1033): RALIQCAKDI[Ala1023Thr]KASDEVTRLA

ClinVar aggregate classification (germline): Uncertain significance. Review status: criteria provided, multiple submitters, no conflicts (2 of 4 stars). 2 submissions from 2 submitters: Uncertain significance (2). Last evaluated 2022-12-30.

Conditions:
Cardiovascular phenotype. Identifiers: MedGen CN230736.
Dilated cardiomyopathy 1W (CMD1W). Identifiers: Orphanet 154, MedGen C1969639, MONDO:0012667, OMIM 611407.

Allele frequency attached by ClinVar (database versions not stated): ExAC 0.00001; gnomAD exomes 0.00001.
gnomAD v4.1: 9 of 1,614,060 alleles (0.00056%); highest among the groups gnomAD compares: South Asian, 0.0011%; no homozygotes.

Submissions (2):

Labcorp Genetics (formerly Invitae), Labcorp
Classification: Uncertain significance for Dilated cardiomyopathy 1W. Last evaluated: 2022-12-30. Review status: criteria provided, single submitter. Criteria: Invitae Variant Classification Sherloc (09022015). Collection method: clinical testing. Allele origin: germline.
Comment: In summary, the available evidence is currently insufficient to determine the role of this variant in disease. Therefore, it has been classified as a Variant of Uncertain Significance. Algorithms developed to predict the effect of missense changes on protein structure and function are either unavailable or do not agree on the potential impact of this missense change (SIFT: "Not Available"; PolyPhen-2: "Probably Damaging"; Align-GVGD: "Not Available"). This variant has not been reported in the literature in individuals affected with VCL-related conditions. This variant is present in population databases (rs758417927, gnomAD 0.003%). This sequence change replaces alanine, which is neutral and non-polar, with threonine, which is neutral and polar, at codon 1023 of the VCL protein (p.Ala1023Thr).

Ambry Genetics
Classification: Uncertain significance for Cardiovascular phenotype. Last evaluated: 2022-06-24. Review status: criteria provided, single submitter. Criteria: Ambry Variant Classification Scheme 2023. Collection method: clinical testing. Allele origin: germline.